The following is an entry in ClinVar:

ClinVar aggregate classification (germline): Uncertain significance (1 of 4 stars; one submission).

Conditions:
Optic atrophy 3 (OPA3). Also called: OPTIC ATROPHY 3, AUTOSOMAL DOMINANT; Optic atrophy, cataract, and neurologic disorder; Optic atrophy 3 with cataract. Identifiers: Orphanet 67036, MedGen C1833809, MONDO:0008133, OMIM 165300.
3-Methylglutaconic aciduria type 3 (MGCA3). Also called: OPA3, AUTOSOMAL RECESSIVE; OPTIC ATROPHY 3, AUTOSOMAL RECESSIVE; OPA3-Related 3-Methylglutaconic Aciduria; Costeff Syndrome. Identifiers: Orphanet 67047, MedGen C0574084, MONDO:0009787, OMIM 258501.

gnomAD v4.1: 3 of 1,614,030 alleles (0.00019%); highest among the groups gnomAD compares: Non-Finnish European, 0.00017%; no homozygotes.

Submission:

Labcorp Genetics (formerly Invitae), Labcorp
Classification: Uncertain significance for 3-Methylglutaconic aciduria type 3; Optic atrophy 3. Last evaluated: 2024-12-16. Review status: criteria provided, single submitter. Criteria: Invitae Variant Classification Sherloc (09022015). Collection method: clinical testing. Allele origin: germline.
Comment: This sequence change replaces tyrosine, which is neutral and polar, with cysteine, which is neutral and slightly polar, at codon 40 of the OPA3 protein (p.Tyr40Cys). This variant is not present in population databases (gnomAD no frequency). This variant has not been reported in the literature in individuals affected with OPA3-related conditions. An algorithm developed to predict the effect of missense changes on protein structure and function (PolyPhen-2) suggests that this variant is likely to be disruptive. In summary, the available evidence is currently insufficient to determine the role of this variant in disease. Therefore, it has been classified as a Variant of Uncertain Significance.

NM_025136.4(OPA3):c.119A>G (p.Tyr40Cys)

Genes: OPA3 (outer mitochondrial membrane lipid metabolism regulator OPA3; minus strand), OPA3-RTN2 (OPA3-RTN2 readthrough; minus strand). Cytogenetic location: 19q13.32.
Variant type: single nucleotide variant.
Coding change: c.119A>G on transcript NM_025136.4 (MANE Select); coding-DNA position 119, A replaced by G.
Protein change: p.Tyr40Cys; replaces tyrosine 40 with cysteine.
Molecular consequence: missense variant.
Genome position (GRCh38, 1-based): chr19:45,584,646, T>C on the plus strand (A>G on the coding strand, the complement: OPA3 is on the minus strand). VCF-style: chr19-45584646-T-C. GRCh37 (hg19) VCF-style: chr19-46087904-T-C.
Other names: c.119A>G, p.Tyr40Cys (NM_001017989.3); short protein forms Y40C.
Identifiers: ClinVar variation 3752766 (VCV003752766.2).